The following is an entry in ClinVar:

NM_001349338.3(FOXP1):c.995C>G (p.Ala332Gly)

Gene: FOXP1 (forkhead box P1; minus strand). Cytogenetic location: 3p13.
Variant type: single nucleotide variant.
Coding change: c.995C>G on transcript NM_001349338.3 (MANE Select); coding-DNA position 995, C replaced by G.
Protein change: p.Ala332Gly; replaces alanine 332 with glycine.
Molecular consequence: missense variant.
Genome position (GRCh38, 1-based): chr3:71,001,039, G>C on the plus strand (C>G on the coding strand, the complement: FOXP1 is on the minus strand). VCF-style: chr3-71001039-G-C. GRCh37 (hg19) VCF-style: chr3-71050190-G-C.
Other names: c.995C>G, p.Ala332Gly (NM_001244808.3, NM_001244810.2, NM_001244814.3 and 3 more transcripts); c.767C>G, p.Ala256Gly (NM_001244812.3); c.695C>G, p.Ala232Gly (NM_001244813.3, NM_001244815.2, NM_001349342.3 and 1 more transcripts); c.692C>G, p.Ala231Gly (NM_001349337.2, NM_001349343.3, NM_001349344.3); c.992C>G, p.Ala331Gly (NM_001349341.3); short protein forms A231G, A232G, A256G, A331G, A332G.
Identifiers: ClinVar variation 3573680 (VCV003573680.1).

ClinVar aggregate classification (germline): Uncertain significance (1 of 4 stars; one submission).

Submission:

GeneDx
Classification: Uncertain significance. Last evaluated: 2024-07-14. Review status: criteria provided, single submitter. Criteria: GeneDx Variant Classification Process June 2021. Collection method: clinical testing. Allele origin: germline. Affected: yes.
Comment: Not observed at significant frequency in large population cohorts (gnomAD); In silico analysis supports that this missense variant has a deleterious effect on protein structure/function; Has not been previously published as pathogenic or benign to our knowledge